The following is an entry in ClinVar:

NM_006767.4(LZTR1):c.297T>A (p.Asp99Glu)

Gene: LZTR1 (leucine zipper like post translational regulator 1; plus strand). Cytogenetic location: 22q11.21.
Variant type: single nucleotide variant.
Coding change: c.297T>A on transcript NM_006767.4 (MANE Select); coding-DNA position 297, T replaced by A.
Protein change: p.Asp99Glu; replaces aspartic acid 99 with glutamic acid.
Molecular consequence: missense variant.
Genome position (GRCh38, 1-based): chr22:20,985,874, T>A. VCF-style: chr22-20985874-T-A. GRCh37 (hg19) VCF-style: chr22-21340163-T-A.
Other names: short protein forms D99E.
Identifiers: ClinVar variation 3869323 (VCV003869323.1).

ClinVar aggregate classification (germline): Uncertain significance (1 of 4 stars; one submission).

Conditions:
Cardiovascular phenotype. Identifiers: MedGen CN230736.
Hereditary cancer-predisposing syndrome. Also called: Tumor predisposition; Neoplastic Syndromes, Hereditary; Hereditary Cancer Syndrome; Hereditary neoplastic syndrome. Identifiers: Orphanet 140162, MedGen C0027672, MeSH D009386, MONDO:0015356.

Submission:

Ambry Genetics
Classification: Uncertain significance for Cardiovascular phenotype; Hereditary cancer-predisposing syndrome. Last evaluated: 2025-02-08. Review status: criteria provided, single submitter. Criteria: Ambry Variant Classification Scheme 2023. Collection method: clinical testing. Allele origin: germline.
Comment: The p.D99E variant (also known as c.297T>A), located in coding exon 3 of the LZTR1 gene, results from a T to A substitution at nucleotide position 297. The aspartic acid at codon 99 is replaced by glutamic acid, an amino acid with highly similar properties. This amino acid position is conserved. In addition, this alteration is predicted to be deleterious by in silico analysis. Based on the available evidence, the clinical significance of this variant remains unclear.